The following is an entry in ClinVar:

NM_001267550.2(TTN):c.70259C>T (p.Pro23420Leu)

Genes: TTN-AS1 (TTN antisense RNA 1; plus strand), TTN (titin; minus strand), LOC126806422 (BRD4-independent group 4 enhancer GRCh37_chr2:179440205-179441404; plus strand). Cytogenetic location: 2q31.2.
Variant type: single nucleotide variant.
Coding change: c.70259C>T on transcript NM_001267550.2 (MANE Select); coding-DNA position 70259, C replaced by T.
Protein change: p.Pro23420Leu; replaces proline 23420 with leucine.
Molecular consequence: missense variant.
Genome position (GRCh38, 1-based): chr2:178,575,873, G>A on the plus strand (C>T on the coding strand, the complement: TTN is on the minus strand). VCF-style: chr2-178575873-G-A. GRCh37 (hg19) VCF-style: chr2-179440600-G-A.
Other names: c.65336C>T, p.Pro21779Leu (NM_001256850.1); c.43064C>T, p.Pro14355Leu (NM_003319.4); c.62555C>T, p.Pro20852Leu (NM_133378.4); c.43439C>T, p.Pro14480Leu (NM_133432.3); c.43640C>T, p.Pro14547Leu (NM_133437.4); short protein forms P14355L, P21779L, P14480L, P20852L, P23420L, P14547L.
Identifiers: ClinVar variation 679589 (VCV000679589.2), dbSNP rs776633672, ClinGen allele CA1990813.

ClinVar aggregate classification (germline): Conflicting classifications of pathogenicity. Review status: criteria provided, conflicting classifications (1 of 4 stars). 2 submissions from 2 submitters: Uncertain significance (1); Likely benign (1). Last evaluated 2023-11-14.

Allele frequency attached by ClinVar (database versions not stated): TOPMed 0.00002; gnomAD 0.00002; gnomAD exomes 0.00003 and 0.00001; ExAC 0.00002.
gnomAD v4.1: 19 of 1,613,364 alleles (0.0012%); highest among the groups gnomAD compares: Admixed American, 0.018%; no homozygotes.

Submissions (2):

Revvity Omics, Revvity
Classification: Uncertain significance. Last evaluated: 2023-11-14. Review status: criteria provided, single submitter. Criteria: ACMG Guidelines, 2015. Collection method: clinical testing. Allele origin: germline.

GeneDx
Classification: Likely benign. Last evaluated: 2018-05-11. Review status: criteria provided, single submitter. Criteria: GeneDx Variant Classification (06012015). Collection method: clinical testing. Allele origin: germline. Affected: yes.
Comment: This variant is considered likely benign or benign based on one or more of the following criteria: it is a conservative change, it occurs at a poorly conserved position in the protein, it is predicted to be benign by multiple in silico algorithms, and/or has population frequency not consistent with disease.